The following is an entry in ClinVar:

NM_000053.4(ATP7B):c.2123T>C (p.Leu708Pro)

Gene: ATP7B (ATPase copper transporting beta; minus strand). Cytogenetic location: 13q14.3.
Variant type: single nucleotide variant.
Coding change: c.2123T>C on transcript NM_000053.4 (MANE Select); coding-DNA position 2123, T replaced by C.
Protein change: p.Leu708Pro; replaces leucine 708 with proline.
Molecular consequence: missense variant. On other transcripts: intron variant (2).
Genome position (GRCh38, 1-based): chr13:51,958,543, A>G on the plus strand (T>C on the coding strand, the complement: ATP7B is on the minus strand). VCF-style: chr13-51958543-A-G. GRCh37 (hg19) VCF-style: chr13-52532679-A-G.
Other names: c.1790T>C, p.Leu597Pro (NM_001243182.2); c.1871T>C, p.Leu624Pro (NM_001330579.2); c.1870-936T>C (NM_001005918.3); c.2122-936T>C (NM_001330578.2); short protein forms L708P, L624P, L597P.
Identifiers: ClinVar variation 3865 (VCV000003865.44), dbSNP rs121908000, ClinGen allele CA252902.
Genomic context (GRCh38, chr13:51,958,543, plus strand): 5'-TTGGCTGACCTGTGTCTCAGAGATTTGTAGGCCTGAACGTAGAAGTACCACCCACCGAGG[A>G]GCTGAAAGACAAGGACAGTGAAGGCTGCCAGCAAGTAGGGAGGAGAGTTCAATGAGCGAC-3'
Protein context (NP_000044.2, residues 698-718): IFFILCTFVQ[Leu708Pro]LGGWYFYVQA

ClinVar aggregate classification (germline): Pathogenic. Review status: criteria provided, multiple submitters, no conflicts (2 of 4 stars). 16 submissions from 16 submitters: Pathogenic (15). 1 of the submissions does not count toward it. Last evaluated 2026-06-01.

Conditions:
Wilson disease (WND). Also called: Wilson's disease. Identifiers: Orphanet 905, MedGen C0019202, MONDO:0010200, OMIM 277900. Disease mechanism: loss of function.

Allele frequency attached by ClinVar (database versions not stated): gnomAD exomes 0.00001; gnomAD 0.00005; TOPMed 0.00007.

Submissions (16):

CeGaT Center for Human Genetics Tuebingen
Classification: Pathogenic. Last evaluated: 2026-06-01. Review status: criteria provided, single submitter. Criteria: CeGaT Center For Human Genetics Tuebingen Variant Classification Criteria Version 2. Collection method: clinical testing. Allele origin: germline. Affected: yes. Observed: 1 variant allele.
Comment: ATP7B: PM3:Very Strong, PM2, PP4

Dasa
Classification: Pathogenic. Last evaluated: 2026-03-17. Review status: criteria provided, single submitter. Criteria: DASA Assertion Criteria. Collection method: clinical testing. Allele origin: germline.
Comment: NM_000053.4(ATP7B):c.2123T>C (p.Leu708Pro) is a missense variant that results in the substitution of leucine with proline. This variant has been recurrently observed in individuals with related phenotype (PMID: 11093740; PMID: 23982005). Segregation evidence has been reported in affected families. Multiple computational predictions support a deleterious effect on the gene or gene product. The variant is present at low frequency in population datasets. Based on the available data, this variant is classified as pathogenic.

Natera, Inc.
Classification: Pathogenic for Wilson disease. Last evaluated: 2025-08-26. Review status: criteria provided, single submitter. Criteria: Natera Variant Classification Schema (03/2026). Collection method: clinical testing. Allele origin: germline.
Comment: The c.2123T>C variant in ATP7B is a missense variant predicted to cause substitution of leucine to proline at amino acid 708. This variant is rare in the general population with a frequency below the threshold expected for the associated phenotype(s). This variant has been observed in one or more individuals affected with the associated recessive disease, as either homozygous or compound heterozygous with a second variant (PMID: 15024742). Given the available evidence, this variant is classified as Pathogenic.

Labcorp Genetics (formerly Invitae), Labcorp
Classification: Pathogenic for Wilson disease. Last evaluated: 2025-05-19. Review status: criteria provided, single submitter. Criteria: Invitae Variant Classification Sherloc (09022015). Collection method: clinical testing. Allele origin: germline.
Comment: This sequence change replaces leucine, which is neutral and non-polar, with proline, which is neutral and non-polar, at codon 708 of the ATP7B protein (p.Leu708Pro). This variant is present in population databases (rs121908000, gnomAD 0.007%). This missense change has been observed in individual(s) with Wilson disease (PMID: 9311736, 11093740, 15024742). It is commonly reported in individuals of Canary Islands and Brazil ancestry (PMID: 9311736, 11093740, 15024742). ClinVar contains an entry for this variant (Variation ID: 3865). An algorithm developed to predict the effect of missense changes on protein structure and function (PolyPhen-2) suggests that this variant is likely to be tolerated. For these reasons, this variant has been classified as Pathogenic.

All of Us Research Program, National Institutes of Health
Classification: Pathogenic for Wilson disease. Last evaluated: 2024-09-27. Review status: criteria provided, single submitter. Criteria: ACMG Guidelines, 2015. Collection method: clinical testing. Allele origin: germline. Inheritance: Autosomal recessive inheritance. Observed: 7 variant alleles, 7 heterozygotes.
Comment: This missense variant replaces leucine with proline at codon 708 of the ATP7B protein. Computational prediction suggests that this variant may have deleterious impact on protein structure and function (internally defined REVEL score threshold >= 0.7, PMID: 27666373). To our knowledge, functional studies have not been reported for this variant. This variant has been observed in the homozygous state and compound heterozygous state in many individuals affected with autosomal recessive Wilson disease (PMID: 9311736, 11093740, 15024742, 17897870, 21832955, 23982005), indicating that this variant contributes to disease. This variant was detected in high frequency in several Wilson disease cohorts in the Canary Islands and Brazil (PMID: 11093740, 15024742, 17897870, 21832955). This variant has been identified in 1/31400 chromosomes in the general population by the Genome Aggregation Database (gnomAD). Based on the available evidence, this variant is classified as Pathogenic.

This study involves interpretation of variants in research participants for the purpose of population health screening. Participant phenotype was not available at the time of variant classification. Additional details can be found in publication PMID: 35346344, PMCID: PMC8962531

ARUP Laboratories, Molecular Genetics and Genomics, ARUP Laboratories
Classification: Pathogenic for Wilson disease. Last evaluated: 2024-07-17. Review status: criteria provided, single submitter. Criteria: ARUP Molecular Germline Variant Investigation Process 2024. Collection method: clinical testing. Allele origin: germline.
Comment: The ATP7B c.2123T>C, p.Leu708Pro variant (rs121908000), has been reported in a homozygous state, or as a compound heterozygote with another pathogenic variant, in patients diagnosed with Wilson disease (Deguti 2004, Garcia-Villarreal 2000, Pena-Quintana 2012, Penon-Portmann 2020, Shah 1997). Patients carrying this variant show decreased serum copper level, increased urine copper excretion, and high hepatic copper content, suggestive of a defect in copper transport (Garcia-Villarreal 2000, Pena-Quintana 2012). This variant is also reported in ClinVar (Variation ID: 3865) and is only observed on one allele in the Genome Aggregation Database, indicating it is not a common polymorphism. The leucine at codon 708 is moderately conserved, and computational analyses predict that this variant is deleterious (REVEL: 0.851). Based on the above information, the variant is classified as pathogenic. References: Deguti M et al. Wilson disease: novel mutations in the ATP7B gene and clinical correlation in Brazilian patients. Hum Mutat. 2004; 23(4):398. PMID: 15024742 Garcia-Villarreal L et al. High prevalence of the very rare Wilson disease gene mutation Leu708Pro in the Island of Gran Canaria (Canary Islands, Spain): a genetic and clinical study. Hepatology. 2000; 32(6):1329-36. PMID: 11093740 Pena-Quintana L et al. Manifestations and evolution of Wilson disease in pediatric patients carrying ATP7B mutation L708P. J Pediatr Gastroenterol Nutr. 2012; 54(1):48-54. PMID: 32154060 Penon-Portmann M et al. Wilson disease in Costa Rica: Pediatric phenotype and genotype characterization. JIMD Rep. 2020 Feb 6;52(1):55-62. PMID: 32154060 Shah A et al. Identification and analysis of mutations in the Wilson disease gene (ATP7B): population frequencies, genotype-phenotype correlation, and functional analyses. Am J Hum Genet. 1997; 61(2):317-28. PMID: 9311736

Baylor Genetics
Classification: Pathogenic for Wilson disease. Last evaluated: 2024-03-01. Review status: criteria provided, single submitter. Criteria: ACMG Guidelines, 2015. Collection method: clinical testing. Allele origin: unknown.

Revvity Omics, Revvity
Classification: Pathogenic for Wilson disease. Last evaluated: 2023-03-31. Review status: criteria provided, single submitter. Criteria: ACMG Guidelines, 2015. Collection method: clinical testing. Allele origin: germline.

Genome-Nilou Lab
Classification: Pathogenic for Wilson disease. Last evaluated: 2021-08-10. Review status: criteria provided, single submitter. Criteria: ACMG Guidelines, 2015. Collection method: clinical testing. Allele origin: germline. Affected: no.

Fulgent Genetics
Classification: Pathogenic for Wilson disease. Last evaluated: 2021-08-07. Review status: criteria provided, single submitter. Criteria: ACMG Guidelines, 2015. Collection method: clinical testing. Allele origin: unknown.

GeneDx
Classification: Pathogenic. Last evaluated: 2020-03-06. Review status: criteria provided, single submitter. Criteria: GeneDx Variant Classification Process June 2021. Collection method: clinical testing. Allele origin: germline. Affected: yes.
Comment: Not observed at a significant frequency in large population cohorts (gnomAD); In silico analysis supports that this missense variant has a deleterious effect on protein structure/function; This variant is associated with the following publications: (PMID: 22692182, 23982005, 11093740, 21832955, 9311736, 15024742, 32154060)

Mayo Clinic Laboratories, Mayo Clinic
Classification: Pathogenic. Last evaluated: 2019-07-29. Review status: criteria provided, single submitter. Criteria: ACMG Guidelines, 2015. Collection method: clinical testing. Allele origin: germline. Observed: 1 variant allele.

Eurofins Ntd Llc (ga)
Classification: Pathogenic. Last evaluated: 2016-11-11. Review status: criteria provided, single submitter. Criteria: EGL Classification Definitions 2015. Collection method: clinical testing. Allele origin: germline. Observed: 2 variant alleles, 2 heterozygotes.

Women's Health and Genetics/Laboratory Corporation of America, LabCorp
Classification: Pathogenic for Wilson disease. Last evaluated: 2016-08-11. Review status: criteria provided, single submitter. Criteria: LabCorp Variant Classification Summary - May 2015. Collection method: clinical testing. Allele origin: germline.
Comment: Variant summary: The ATP7B c.2123T>C (p.Leu708Pro) variant involves the alteration of a conserved nucleotide located in the transmembrane domain of ATB7B. 3/4 in silico tools predict a damaging outcome for this substitution. This variant is absent in 120120 control chromosomes while it was observed in several Wilson Disease patient in either homozygosity or heterozygosity indicating the variant to be pathogenic. Moreover, it is considered to be a founder mutation in the Canary Islands representing about 50% of the WD allele in this population. In addition, multiple clinical diagnostic laboratories/reputable databases classified this variant as pathogenic. Taken together, this variant is classified as pathogenic.

Genetic Services Laboratory, University of Chicago
Classification: Pathogenic for Wilson disease. Last evaluated: 2013-02-08. Review status: criteria provided, single submitter. Criteria: ACMG Guidelines, 2007. Collection method: clinical testing. Allele origin: germline. Inheritance: Autosomal recessive inheritance. Affected: yes.

OMIM
Classification: Pathogenic for WILSON DISEASE. Last evaluated: 2000-12-01. Review status: no assertion criteria provided. Collection method: literature only. Allele origin: germline. Not counted in ClinVar's aggregate classification.

Literature cited by the submitters: PubMed 11093740 (cited by 6 submitters); PubMed 23982005 (cited by 3 submitters); PubMed 15024742 (cited by 5 submitters); PubMed 9311736 (cited by 3 submitters); PubMed 17897870 (cited by All of Us Research Program, National Institutes of Health and Mayo Clinic Laboratories, Mayo Clinic); PubMed 21832955 (cited by All of Us Research Program, National Institutes of Health and Mayo Clinic Laboratories, Mayo Clinic); PubMed 22692182 (cited by Mayo Clinic Laboratories, Mayo Clinic); PubMed 17634212 (cited by Mayo Clinic Laboratories, Mayo Clinic).